The following is an entry in ClinVar:

NM_001371986.1(UNC80):c.1433T>C (p.Leu478Pro)

Gene: UNC80 (unc-80 subunit of NALCN channel complex; plus strand). Cytogenetic location: 2q34.
Variant type: single nucleotide variant.
Coding change: c.1433T>C on transcript NM_001371986.1 (MANE Select); coding-DNA position 1433, T replaced by C.
Protein change: p.Leu478Pro; replaces leucine 478 with proline.
Molecular consequence: missense variant.
Genome position (GRCh38, 1-based): chr2:209,817,006, T>C. VCF-style: chr2-209817006-T-C. GRCh37 (hg19) VCF-style: chr2-210681730-T-C.
Other names: c.1433T>C, p.Leu478Pro (NM_032504.2, NM_182587.4); short protein forms L478P.
Identifiers: ClinVar variation 2005348 (VCV002005348.4), dbSNP rs2470964010, ClinGen allele CA350134597.

ClinVar aggregate classification (germline): Uncertain significance (1 of 4 stars; one submission).

Allele frequency attached by ClinVar (database versions not stated): gnomAD exomes below 0.00001.
gnomAD v4.1: 1 of 1,551,738 alleles (0.000064%); highest among the groups gnomAD compares: Non-Finnish European, 0.000087%; no homozygotes.

Submission:

Labcorp Genetics (formerly Invitae), Labcorp
Classification: Uncertain significance. Last evaluated: 2022-09-14. Review status: criteria provided, single submitter. Criteria: Invitae Variant Classification Sherloc (09022015). Collection method: clinical testing. Allele origin: germline.
Comment: In summary, the available evidence is currently insufficient to determine the role of this variant in disease. Therefore, it has been classified as a Variant of Uncertain Significance. Algorithms developed to predict the effect of missense changes on protein structure and function are either unavailable or do not agree on the potential impact of this missense change (SIFT: "Not Available"; PolyPhen-2: "Probably Damaging"; Align-GVGD: "Not Available"). This variant has not been reported in the literature in individuals affected with UNC80-related conditions. This variant is not present in population databases (gnomAD no frequency). This sequence change replaces leucine, which is neutral and non-polar, with proline, which is neutral and non-polar, at codon 478 of the UNC80 protein (p.Leu478Pro).